The following is an entry in ClinVar:

ClinVar aggregate classification (germline): Benign/Likely benign. Review status: criteria provided, multiple submitters, no conflicts (2 of 4 stars). 3 submissions from 3 submitters: Benign (1); Likely benign (1). 1 of the submissions does not count toward it. Last evaluated 2025-06-01.

Conditions:
LNPK-related disorder. Also called: LNPK-related condition.

Allele frequency attached by ClinVar (database versions not stated): gnomAD exomes 0.00025; ExAC 0.00082; gnomAD 0.00276; TOPMed 0.00295; ESP Exome Variant Server 0.00308; 1000 Genomes Project 0.00359; 1000 Genomes Project 30x 0.00359.

Submissions (3):

CeGaT Center for Human Genetics Tuebingen
Classification: Benign. Last evaluated: 2025-06-01. Review status: criteria provided, single submitter. Criteria: CeGaT Center For Human Genetics Tuebingen Variant Classification Criteria Version 2. Collection method: clinical testing. Allele origin: germline. Affected: yes. Observed: 1 variant allele.
Comment: LNPK: BP4, BS1, BS2

Blueprint Genetics
Classification: Likely benign. Last evaluated: 2024-05-02. Review status: criteria provided, single submitter. Criteria: ACMG Guidelines, 2015. Collection method: clinical testing. Allele origin: germline.

PreventionGenetics, part of Exact Sciences
Classification: Likely benign for LNPK-related condition. Last evaluated: 2019-04-11. Review status: no assertion criteria provided. Collection method: clinical testing. Allele origin: germline. Not counted in ClinVar's aggregate classification.
Comment: This variant is classified as likely benign based on ACMG/AMP sequence variant interpretation guidelines (Richards et al. 2015 PMID: 25741868, with internal and published modifications).

NM_030650.3(LNPK):c.446G>A (p.Cys149Tyr)

Gene: LNPK (lunapark, ER junction formation factor; minus strand). Cytogenetic location: 2q31.1.
Variant type: single nucleotide variant.
Coding change: c.446G>A on transcript NM_030650.3 (MANE Select); coding-DNA position 446, G replaced by A.
Protein change: p.Cys149Tyr; replaces cysteine 149 with tyrosine.
Molecular consequence: missense variant. On other transcripts: non-coding transcript variant (1).
Genome position (GRCh38, 1-based): chr2:175,964,419, C>T on the plus strand (G>A on the coding strand, the complement: LNPK is on the minus strand). VCF-style: chr2-175964419-C-T. GRCh37 (hg19) VCF-style: chr2-176829147-C-T.
Other names: c.644G>A, p.Cys215Tyr (NM_001305008.1); c.446G>A, p.Cys149Tyr (NM_001305009.1); c.452G>A, p.Cys151Tyr (NM_001305010.1); c.77G>A, p.Cys26Tyr (NM_001305011.2); short protein forms C149Y, C151Y, C215Y, C26Y.
Identifiers: ClinVar variation 3050183 (VCV003050183.11), dbSNP rs143322779, ClinGen allele CA1975994.